The following is an entry in ClinVar:

ClinVar aggregate classification (germline): Likely benign. Review status: criteria provided, multiple submitters, no conflicts (2 of 4 stars). 3 submissions from 3 submitters: Likely benign (3). Last evaluated 2025-11-01.

gnomAD v4.1: 24 of 1,614,074 alleles (0.0015%); highest among the groups gnomAD compares: East Asian, 0.011%; no homozygotes.

Submissions (3):

CeGaT Center for Human Genetics Tuebingen
Classification: Likely benign. Last evaluated: 2025-11-01. Review status: criteria provided, single submitter. Criteria: CeGaT Center For Human Genetics Tuebingen Variant Classification Criteria Version 2. Collection method: clinical testing. Allele origin: germline. Affected: yes. Observed: 1 variant allele.
Comment: FHOD3: BP4, BP7

Molecular Diagnostic Laboratory for Inherited Cardiovascular Disease, Montreal Heart Institute
Classification: Likely benign. Last evaluated: 2025-04-09. Review status: criteria provided, single submitter. Criteria: ACMG Guidelines, 2015. Collection method: clinical testing. Allele origin: germline. Affected: no.

Blueprint Genetics
Classification: Likely benign. Last evaluated: 2024-04-19. Review status: criteria provided, single submitter. Criteria: ACMG Guidelines, 2015. Collection method: clinical testing. Allele origin: germline.

NM_001281740.3(FHOD3):c.2385G>A (p.Pro795=)

Gene: FHOD3 (formin homology 2 domain containing 3; plus strand). Cytogenetic location: 18q12.2.
Variant type: single nucleotide variant.
Coding change: c.2385G>A on transcript NM_001281740.3 (MANE Select); coding-DNA position 2385, G replaced by A.
Protein change: p.Pro795=; no amino-acid change (proline 795 retained).
Molecular consequence: synonymous variant.
Genome position (GRCh38, 1-based): chr18:36,709,243, G>A. VCF-style: chr18-36709243-G-A. GRCh37 (hg19) VCF-style: chr18-34289206-G-A.
Other names: c.1809G>A, p.Pro603= (NM_001281739.3); c.1860G>A, p.Pro620= (NM_025135.5).
Identifiers: ClinVar variation 3895194 (VCV003895194.8), dbSNP rs769632583.